The following is an entry in ClinVar:

NM_020297.4(ABCC9):c.1848C>T (p.Asp616=)

Gene: ABCC9 (ATP binding cassette subfamily C member 9; minus strand). Cytogenetic location: 12p12.1.
Variant type: single nucleotide variant.
Coding change: c.1848C>T on transcript NM_020297.4 (MANE Select); coding-DNA position 1848, C replaced by T.
Protein change: p.Asp616=; no amino-acid change (aspartic acid 616 retained).
Molecular consequence: synonymous variant.
Genome position (GRCh38, 1-based): chr12:21,887,889, G>A on the plus strand (C>T on the coding strand, the complement: ABCC9 is on the minus strand). VCF-style: chr12-21887889-G-A. GRCh37 (hg19) VCF-style: chr12-22040823-G-A.
Other names: p.D616D:GAC>GAT; p.Asp616=; c.1848C>T, p.Asp616= (NM_001377273.1, NM_005691.4); c.984C>T, p.Asp328= (NM_001377274.1).
Identifiers: ClinVar variation 45391 (VCV000045391.40), dbSNP rs61001398, ClinGen allele CA282526.

ClinVar aggregate classification (germline): Benign/Likely benign. Review status: criteria provided, multiple submitters, no conflicts (2 of 4 stars). 14 submissions from 13 submitters: Benign (8); Likely benign (3). 3 of the submissions do not count toward it. Last evaluated 2026-02-03.

Conditions:
Hypertrichotic osteochondrodysplasia Cantu type. Also called: Cantu Syndrome; Cantú Syndrome. Identifiers: Orphanet 1517, MedGen C0795905, MONDO:0009406, OMIM 239850.
Dilated cardiomyopathy 1O (CMD1O). Also called: CARDIOMYOPATHY, DILATED, WITH VENTRICULAR TACHYCARDIA. Identifiers: Orphanet 154, MedGen C1837839, MONDO:0012062, OMIM 608569.
Atrial fibrillation, familial, 12 (ATFB12). Identifiers: MedGen C3279695, MONDO:0013545, OMIM 614050.
Intellectual disability and myopathy syndrome (IDMYS). Identifiers: MedGen C5676904, MONDO:0859224, OMIM 619719.
Cardiovascular phenotype. Identifiers: MedGen CN230736.
Cardiomyopathy (CMYO). Also called: Cardiomyopathies. Identifiers: Orphanet 167848, MedGen C0878544, MONDO:0004994, HP:0001638. Inheritance: Various modes of inheritance.

Allele frequency attached by ClinVar (database versions not stated): gnomAD exomes 0.00140 and 0.00348; ExAC 0.00425; gnomAD 0.01412 and 0.01493; 1000 Genomes Project 0.01518; TOPMed 0.01539; ESP Exome Variant Server 0.01622; 1000 Genomes Project 30x 0.01640.
gnomAD v4.1: 4,308 of 1,613,320 alleles (0.27%); highest among the groups gnomAD compares: African/African-American, 4.9%; 100 homozygotes.

Submissions (14):

Labcorp Genetics (formerly Invitae), Labcorp
Classification: Benign for Dilated cardiomyopathy 1O. Last evaluated: 2026-02-03. Review status: criteria provided, single submitter. Criteria: Invitae Variant Classification Sherloc (09022015). Collection method: clinical testing. Allele origin: germline.

ARUP Laboratories, Molecular Genetics and Genomics, ARUP Laboratories
Classification: Benign. Last evaluated: 2025-03-25. Review status: criteria provided, single submitter. Criteria: ARUP Molecular Germline Variant Investigation Process 2024. Collection method: clinical testing. Allele origin: germline.

Fulgent Genetics
Classification: Likely benign for Hypertrichotic osteochondrodysplasia Cantu type; Dilated cardiomyopathy 1O; Atrial fibrillation, familial, 12; Intellectual disability and myopathy syndrome. Last evaluated: 2021-08-24. Review status: criteria provided, single submitter. Criteria: ACMG Guidelines, 2015. Collection method: clinical testing. Allele origin: unknown.

Illumina Laboratory Services, Illumina
Classification: Benign for Hypertrichotic osteochondrodysplasia Cantu type. Last evaluated: 2018-01-13. Review status: criteria provided, single submitter. Criteria: ICSL Variant Classification Criteria 13 December 2019. Collection method: clinical testing. Allele origin: germline.
Comment: This variant was observed in the ICSL laboratory as part of a predisposition screen in an ostensibly healthy population. It had not been previously curated by ICSL or reported in the Human Gene Mutation Database (HGMD: prior to June 1st, 2018), and was therefore a candidate for classification through an automated scoring system. Utilizing variant allele frequency, disease prevalence and penetrance estimates, and inheritance mode, an automated score was calculated to assess if this variant is too frequent to cause the disease. Based on the score and internal cut-off values, a variant classified as benign is not then subjected to further curation. The score for this variant resulted in a classification of benign for this disease.

Illumina Laboratory Services, Illumina
Classification: Likely benign for Dilated cardiomyopathy 1O. Last evaluated: 2018-01-13. Review status: criteria provided, single submitter. Criteria: ICSL Variant Classification Criteria 13 December 2019. Collection method: clinical testing. Allele origin: germline.
Comment: This variant was observed in the ICSL laboratory as part of a predisposition screen in an ostensibly healthy population. It had not been previously curated by ICSL or reported in the Human Gene Mutation Database (HGMD: prior to June 1st, 2018), and was therefore a candidate for classification through an automated scoring system. Utilizing variant allele frequency, disease prevalence and penetrance estimates, and inheritance mode, an automated score was calculated to assess if this variant is too frequent to cause the disease. Based on the score and internal cut-off values, a variant classified as likely benign is not then subjected to further curation. The score for this variant resulted in a classification of likely benign for this disease.

CHEO Genetics Diagnostic Laboratory, Children's Hospital of Eastern Ontario
Classification: Benign for Cardiomyopathy. Last evaluated: 2016-06-09. Review status: criteria provided, single submitter. Criteria: ACMG Guidelines, 2015. Collection method: clinical testing. Allele origin: germline. Study: Canadian Open Genetics Repository.

Mayo Clinic Laboratories, Mayo Clinic
Classification: Benign. Last evaluated: 2016-04-04. Review status: criteria provided, single submitter. Criteria: ACMG Guidelines, 2015. Collection method: clinical testing. Allele origin: germline. Observed: 25 variant alleles.

Ambry Genetics
Classification: Benign for Cardiovascular phenotype. Last evaluated: 2016-03-26. Review status: criteria provided, single submitter. Criteria: Ambry Variant Classification Scheme 2023. Collection method: clinical testing. Allele origin: germline.

GeneDx
Classification: Benign. Last evaluated: 2014-01-15. Review status: criteria provided, single submitter. Criteria: GeneDx Variant Classification (06012015). Collection method: clinical testing. Allele origin: germline. Affected: yes.
Comment: This variant is considered likely benign or benign based on one or more of the following criteria: it is a conservative change, it occurs at a poorly conserved position in the protein, it is predicted to be benign by multiple in silico algorithms, and/or has population frequency not consistent with disease.

Laboratory for Molecular Medicine, Mass General Brigham Personalized Medicine
Classification: Benign. Last evaluated: 2009-06-06. Review status: criteria provided, single submitter. Criteria: LMM Criteria. Collection method: clinical testing. Allele origin: germline. Observed: 27 variant alleles.

Breakthrough Genomics
Classification: Likely benign. Review status: criteria provided, single submitter. Criteria: ACMG Guidelines, 2015. Collection method: not provided. Allele origin: germline. Inheritance: Autosomal recessive inheritance. Affected: yes.

Clinical Genetics DNA and cytogenetics Diagnostics Lab, Erasmus MC, Erasmus Medical Center
Classification: Benign. Review status: no assertion criteria provided. Collection method: clinical testing. Allele origin: germline. Affected: yes. Study: VKGL Data-share Consensus. Not counted in ClinVar's aggregate classification.

Diagnostic Laboratory, Department of Genetics, University Medical Center Groningen
Classification: Likely benign. Review status: no assertion criteria provided. Collection method: clinical testing. Allele origin: germline. Affected: yes. Study: VKGL Data-share Consensus. Not counted in ClinVar's aggregate classification.

Laboratory of Diagnostic Genome Analysis, Leiden University Medical Center (LUMC)
Classification: Likely benign. Review status: no assertion criteria provided. Collection method: clinical testing. Allele origin: germline. Affected: yes. Study: VKGL Data-share Consensus. Not counted in ClinVar's aggregate classification.